The following is an entry in ClinVar:

NM_001042492.3(NF1):c.289-7A>G

Gene: NF1 (neurofibromin 1; plus strand). Cytogenetic location: 17q11.2.
Variant type: single nucleotide variant.
Coding change: c.289-7A>G on transcript NM_001042492.3 (MANE Select); 7 bases into the intron before coding-DNA position 289, A replaced by G.
Molecular consequence: intron variant.
Genome position (GRCh38, 1-based): chr17:31,163,179, A>G. VCF-style: chr17-31163179-A-G. GRCh37 (hg19) VCF-style: chr17-29490197-A-G.
Other names: c.289-7A>G (NM_000267.4, NM_001128147.3).
Identifiers: ClinVar variation 764648 (VCV000764648.14), dbSNP rs751506868, ClinGen allele CA8485526.

ClinVar aggregate classification (germline): Likely benign. Review status: criteria provided, multiple submitters, no conflicts (2 of 4 stars). 2 submissions from 2 submitters: Likely benign (2). Last evaluated 2026-05-11.

Conditions:
Neurofibromatosis, type 1 (NF1). Also called: NEUROFIBROMATOSIS, TYPE I, SOMATIC; Peripheral type neurofibromatosis; VON RECKLINGHAUSEN DISEASE; Neurofibromatosis, type I. Identifiers: Orphanet 636, MedGen C0027831, MONDO:0018975, OMIM 162200. Disease mechanism: loss of function.

Allele frequency attached by ClinVar (database versions not stated): gnomAD 0.00001; gnomAD exomes below 0.00001; ExAC 0.00001.
gnomAD v4.1: 1 of 1,613,768 alleles (0.000062%); no homozygotes.

Submissions (2):

Myriad Genetics, Inc.
Classification: Likely benign for Neurofibromatosis, type 1. Last evaluated: 2026-05-11. Review status: criteria provided, single submitter. Criteria: Myriad Autosomal Dominant, Autosomal Recessive and X-Linked Classification Criteria (2023). Collection method: clinical testing. Allele origin: unknown.
Comment: This variant is considered likely benign. This variant is intronic and is not expected to impact mRNA splicing.

Labcorp Genetics (formerly Invitae), Labcorp
Classification: Likely benign for Neurofibromatosis, type 1. Last evaluated: 2025-10-13. Review status: criteria provided, single submitter. Criteria: Invitae Variant Classification Sherloc (09022015). Collection method: clinical testing. Allele origin: germline.